The following is an entry in ClinVar:

NM_021098.3(CACNA1H):c.5510C>T (p.Pro1837Leu)

Gene: CACNA1H (calcium voltage-gated channel subunit alpha1 H; plus strand). Cytogenetic location: 16p13.3.
Variant type: single nucleotide variant.
Coding change: c.5510C>T on transcript NM_021098.3 (MANE Select); coding-DNA position 5510, C replaced by T.
Protein change: p.Pro1837Leu; replaces proline 1837 with leucine.
Molecular consequence: missense variant.
Genome position (GRCh38, 1-based): chr16:1,218,274, C>T. VCF-style: chr16-1218274-C-T. GRCh37 (hg19) VCF-style: chr16-1268274-C-T.
Other names: c.5492C>T, p.Pro1831Leu (NM_001005407.2); short protein forms P1831L, P1837L.
Identifiers: ClinVar variation 4538778 (VCV004538778.1).
Genomic context (GRCh38, chr16:1,218,274, plus strand): 5'-CGCTGCGCGAGTGCTCCCGTGAGGACAAGCACTGCCTGAGCTACCTGCCGGCCCTGTCGC[C>T]CGTCTACTTCGTGACCTTCGTGCTGGTGGCCCAGTTCGTGCTGGTGAACGTGGTGGTGGC-3'
Protein context (NP_066921.2, residues 1827-1847): HCLSYLPALS[Pro1837Leu]VYFVTFVLVA

ClinVar aggregate classification (germline): Uncertain significance (1 of 4 stars; one submission).

gnomAD v4.1: 1 of 1,552,240 alleles (0.000064%); highest among the groups gnomAD compares: South Asian, 0.0012%; no homozygotes.

Submission:

GeneDx
Classification: Uncertain significance. Last evaluated: 2025-06-17. Review status: criteria provided, single submitter. Criteria: GeneDx Variant Classification Process June 2021. Collection method: clinical testing. Allele origin: germline. Affected: yes.
Comment: Not observed at significant frequency in large population cohorts (gnomAD); In silico analysis supports that this missense variant has a deleterious effect on protein structure/function; Has not been previously published as pathogenic or benign to our knowledge